The following is an entry in ClinVar:

ClinVar aggregate classification (germline): Likely pathogenic (1 of 4 stars; one submission).

Conditions:
Primary hyperoxaluria, type II (HP2). Also called: D-GLYCERATE DEHYDROGENASE DEFICIENCY; GLYCERIC ACIDURIA; GLYOXYLATE REDUCTASE/HYDROXYPYRUVATE REDUCTASE DEFICIENCY; OXALOSIS II; Primary hyperoxaluria type 2. Identifiers: Orphanet 416, Orphanet 93599, MedGen C0268165, MONDO:0009824, OMIM 260000. Disease mechanism: loss of function.

Submission:

Natera, Inc.
Classification: Likely pathogenic for Primary hyperoxaluria type II. Last evaluated: 2025-05-08. Review status: criteria provided, single submitter. Criteria: Natera Variant Classification Schema (03/2026). Collection method: clinical testing. Allele origin: germline.
Comment: The c.346_347insACCCTAGGAGGGCAAAGACCGCGGTGTGGAGACTGTGGGTGTGGGGAAGTGCATCCAAGGCCCTGGGT variant in GRHPR is a frameshift variant predicted to shift the reading frame beginning at codon 116 and leads to a stop codon 41 codons downstream. This variant is expected to result in nonsense mediated decay, truncation, or a dysfunctional protein product. This variant is rare in the general population with a frequency below the threshold expected for the associated phenotype(s). Given the available evidence, this variant is classified as Likely Pathogenic.

NM_012203.2(GRHPR):c.346_347insACCCTAGGAGGGCAAAGACCGCGGTGTGGAGACTGTGGGTGTGGGGAAGTGCATCCAAGGCCCTGGGT (p.Val116fs)

Gene: GRHPR (glyoxylate and hydroxypyruvate reductase; plus strand). Cytogenetic location: 9p13.2.
Variant type: Insertion.
Coding change: c.346_347insACCCTAGGAGGGCAAAGACCGCGGTGTGGAGACTGTGGGTGTGGGGAAGTGCATCCAAGGCCCTGGGT on transcript NM_012203.2 (MANE Select); coding-DNA positions 346 to 347, ACCCTAGGAGGGCAAAGACCGCGGTGTGGAGACTGTGGGTGTGGGGAAGTGCATCCAAGGCCCTGGGT inserted.
Protein change: p.Val116fs; shifts the reading frame from valine 116.
Molecular consequence: frameshift variant.
Genome position: GRCh38: chr9:37,426,596-37,426,597. GRCh37 (hg19): chr9:37,426,593-37,426,594.
Other names: short protein forms V116fs.
Identifiers: ClinVar variation 4068968 (VCV004068968.2).